The following is an entry in ClinVar:

ClinVar aggregate classification (germline): Uncertain significance (1 of 4 stars; one submission).

gnomAD v4.1: 1 of 1,614,184 alleles (0.000062%); highest among the groups gnomAD compares: Non-Finnish European, 0.000085%; no homozygotes.

Submission:

Labcorp Genetics (formerly Invitae), Labcorp
Classification: Uncertain significance. Last evaluated: 2025-12-17. Review status: criteria provided, single submitter. Criteria: Invitae Variant Classification Sherloc (09022015). Collection method: clinical testing. Allele origin: germline.
Comment: This sequence change replaces threonine, which is neutral and polar, with alanine, which is neutral and non-polar, at codon 2560 of the ANK3 protein (p.Thr2560Ala). This variant is not present in population databases (gnomAD no frequency). This variant has not been reported in the literature in individuals affected with ANK3-related conditions. Invitae Evidence Modeling of protein sequence and biophysical properties (such as structural, functional, and spatial information, amino acid conservation, physicochemical variation, residue mobility, and thermodynamic stability) indicates that this missense variant is not expected to disrupt ANK3 protein function with a negative predictive value of 80%. In summary, the available evidence is currently insufficient to determine the role of this variant in disease. Therefore, it has been classified as a Variant of Uncertain Significance.

NM_020987.5(ANK3):c.7678A>G (p.Thr2560Ala)

Gene: ANK3 (ankyrin 3; minus strand). Cytogenetic location: 10q21.2.
Variant type: single nucleotide variant.
Coding change: c.7678A>G on transcript NM_020987.5 (MANE Select); coding-DNA position 7678, A replaced by G.
Protein change: p.Thr2560Ala; replaces threonine 2560 with alanine.
Molecular consequence: missense variant. On other transcripts: intron variant (4).
Genome position (GRCh38, 1-based): chr10:60,073,203, T>C on the plus strand (A>G on the coding strand, the complement: ANK3 is on the minus strand). VCF-style: chr10-60073203-T-C. GRCh37 (hg19) VCF-style: chr10-61832961-T-C.
Other names: c.4388-5194A>G (NM_001204403.2); c.4409-5194A>G (NM_001204404.2); c.4406-5194A>G (NM_001320874.2); c.1808-5194A>G (NM_001149.4); short protein forms T2560A.
Identifiers: ClinVar variation 4708812 (VCV004708812.1).